The following is an entry in ClinVar:

ClinVar aggregate classification (germline): Conflicting classifications of pathogenicity. Review status: criteria provided, conflicting classifications (1 of 4 stars). 2 submissions from 2 submitters: Uncertain significance (1); Likely benign (1). Last evaluated 2023-12-01.

Allele frequency attached by ClinVar (database versions not stated): gnomAD 0.00006; gnomAD exomes 0.00006; 1000 Genomes Project 30x 0.00016; 1000 Genomes Project 0.00020.
gnomAD v4.1: 91 of 1,518,016 alleles (0.006%); highest among the groups gnomAD compares: Admixed American, 0.12%; 11 homozygotes.

Submissions (2):

CeGaT Center for Human Genetics Tuebingen
Classification: Likely benign. Last evaluated: 2023-12-01. Review status: criteria provided, single submitter. Criteria: CeGaT Center For Human Genetics Tuebingen Variant Classification Criteria Version 2. Collection method: clinical testing. Allele origin: germline. Affected: yes. Observed: 1 variant allele.
Comment: AHNAK2: BP4, BS2

Ambry Genetics
Classification: Uncertain significance. Last evaluated: 2022-04-13. Review status: criteria provided, single submitter. Criteria: Ambry Variant Classification Scheme 2023. Collection method: clinical testing. Allele origin: germline.

NM_138420.4(AHNAK2):c.3634A>T (p.Ser1212Cys)

Gene: AHNAK2 (AHNAK nucleoprotein 2; minus strand). Cytogenetic location: 14q32.33.
Variant type: single nucleotide variant.
Coding change: c.3634A>T on transcript NM_138420.4 (MANE Select); coding-DNA position 3634, A replaced by T.
Protein change: p.Ser1212Cys; replaces serine 1212 with cysteine.
Molecular consequence: missense variant.
Genome position (GRCh38, 1-based): chr14:104,951,817, T>A on the plus strand (A>T on the coding strand, the complement: AHNAK2 is on the minus strand). VCF-style: chr14-104951817-T-A. GRCh37 (hg19) VCF-style: chr14-105418154-T-A.
Other names: c.3334A>T, p.Ser1112Cys (NM_001350929.2); short protein forms S1112C, S1212C.
Identifiers: ClinVar variation 2346554 (VCV002346554.24), dbSNP rs201915874, ClinGen allele CA7382878.